The following is an entry in ClinVar:

NM_007317.3(KIF22):c.1792G>A (p.Glu598Lys)

Gene: KIF22 (kinesin family member 22; plus strand). Cytogenetic location: 16p11.2.
Variant type: single nucleotide variant.
Coding change: c.1792G>A on transcript NM_007317.3 (MANE Select); coding-DNA position 1792, G replaced by A.
Protein change: p.Glu598Lys; replaces glutamic acid 598 with lysine.
Molecular consequence: missense variant.
Genome position (GRCh38, 1-based): chr16:29,804,928, G>A. VCF-style: chr16-29804928-G-A. GRCh37 (hg19) VCF-style: chr16-29816249-G-A.
Other names: c.1588G>A, p.Glu530Lys (NM_001256269.2, NM_001256270.1); short protein forms E598K, E530K.
Identifiers: ClinVar variation 3023567 (VCV003023567.3), dbSNP rs1476270968, ClinGen allele CA395462543.

ClinVar aggregate classification (germline): Uncertain significance (1 of 4 stars; one submission).

Submission:

Labcorp Genetics (formerly Invitae), Labcorp
Classification: Uncertain significance. Last evaluated: 2024-01-10. Review status: criteria provided, single submitter. Criteria: Invitae Variant Classification Sherloc (09022015). Collection method: clinical testing. Allele origin: germline.
Comment: This sequence change replaces glutamic acid, which is acidic and polar, with lysine, which is basic and polar, at codon 598 of the KIF22 protein (p.Glu598Lys). This variant is present in population databases (no rsID available, gnomAD 0.0009%). This variant has not been reported in the literature in individuals affected with KIF22-related conditions. Algorithms developed to predict the effect of missense changes on protein structure and function output the following: SIFT: "Not Available"; PolyPhen-2: "Benign"; Align-GVGD: "Not Available". The lysine amino acid residue is found in multiple mammalian species, which suggests that this missense change does not adversely affect protein function. In summary, the available evidence is currently insufficient to determine the role of this variant in disease. Therefore, it has been classified as a Variant of Uncertain Significance.